The following is an entry in ClinVar:

NM_080911.3(UNG):c.178_181del (p.Thr60fs)

Gene: UNG (uracil DNA glycosylase; plus strand). Cytogenetic location: 12q24.11.
Variant type: Deletion.
Coding change: c.178_181del on transcript NM_080911.3 (MANE Select); coding-DNA positions 178 to 181, 4 bases deleted (ACGC; older notation c.178_181delACGC).
Protein change: p.Thr60fs; shifts the reading frame from threonine 60.
Molecular consequence: frameshift variant.
Genome position (GRCh38, 1-based): chr12:109,098,477-109,098,480, ACGC deleted. VCF-style (leftmost placement, unchanged base first): chr12-109098476-GACGC-G. GRCh37 (hg19) VCF-style: chr12-109536281-GACGC-G.
Other names: c.151_154del, p.Thr51fs (NM_003362.4); short protein forms T51fs, T60fs.
Identifiers: ClinVar variation 4880069 (VCV004880069.1).

ClinVar aggregate classification (germline): Uncertain significance (1 of 4 stars; one submission).

Conditions:
Primary ciliary dyskinesia. Also called: Ciliary dyskinesia. Identifiers: Orphanet 244, MedGen C0008780, MONDO:0016575, HP:0012265.

Submission:

Department of Human Genetics, Hannover Medical School
Classification: Uncertain significance for Primary Ciliary Dyskinesia. Last evaluated: 2026-04-01. Review status: criteria provided, single submitter. Criteria: ACMG Guidelines, 2015. Collection method: research. Allele origin: germline. Affected: no.
Comment: Classification performed by HerediClassify using the following criteria:['PM2_supporting: Variant occures does not occur as homozygous in gnomAD.', 'PVS1_protein_strong: Transcript ENST00000242576 is not predicted to undergo NMD. Protein length change of 0.7955271565495208 observed.']